The following is an entry in ClinVar:

ClinVar aggregate classification (germline): Likely benign (1 of 4 stars; one submission).

Submission:

CeGaT Center for Human Genetics Tuebingen
Classification: Likely benign. Last evaluated: 2022-11-01. Review status: criteria provided, single submitter. Criteria: CeGaT Center For Human Genetics Tuebingen Variant Classification Criteria Version 2. Collection method: clinical testing. Allele origin: germline. Affected: yes. Observed: 1 variant allele.
Comment: ASPM: PM2:Supporting, BP4, BP7

NM_018136.5(ASPM):c.6462T>C (p.Tyr2154=)

Gene: ASPM (assembly factor for spindle microtubules; minus strand). Cytogenetic location: 1q31.3.
Variant type: single nucleotide variant.
Coding change: c.6462T>C on transcript NM_018136.5 (MANE Select); coding-DNA position 6462, T replaced by C.
Protein change: p.Tyr2154=; no amino-acid change (tyrosine 2154 retained).
Molecular consequence: synonymous variant. On other transcripts: intron variant (1).
Genome position (GRCh38, 1-based): chr1:197,102,789, A>G on the plus strand (T>C on the coding strand, the complement: ASPM is on the minus strand). VCF-style: chr1-197102789-A-G. GRCh37 (hg19) VCF-style: chr1-197071919-A-G.
Other names: c.4066-6625T>C (NM_001206846.2).
Identifiers: ClinVar variation 2639701 (VCV002639701.24), dbSNP rs2527297144, ClinGen allele CA422806473.
Genomic context (GRCh38, chr1:197,102,789, plus strand): 5'-CTGAAGGACTTTAACAGCTTTCAAAATTGTCAGGTACTTTTCACGCTGCATTTTACCTTG[A>G]TAATATGCTCTACATCTTACTTGAATAACAATAGCTGCTTTTCTCATTGTATGGTAACTT-3'
Protein context (NP_060606.3, residues 2144-2164): IVIQVRCRAY[Tyr2154=]QGKMQREKYL